The following is an entry in ClinVar:

NM_006005.3(WFS1):c.2570C>A (p.Thr857Asn)

Gene: WFS1 (wolframin ER transmembrane glycoprotein; plus strand). Cytogenetic location: 4p16.1.
Variant type: single nucleotide variant.
Coding change: c.2570C>A on transcript NM_006005.3 (MANE Select); coding-DNA position 2570, C replaced by A.
Protein change: p.Thr857Asn; replaces threonine 857 with asparagine.
Molecular consequence: missense variant.
Genome position (GRCh38, 1-based): chr4:6,302,365, C>A. VCF-style: chr4-6302365-C-A. GRCh37 (hg19) VCF-style: chr4-6304092-C-A.
Other names: c.2570C>A, p.Thr857Asn (NM_001145853.1); short protein forms T857N.
Identifiers: ClinVar variation 549513 (VCV000549513.2), dbSNP rs573202595, ClinGen allele CA356179266.
Genomic context (GRCh38, chr4:6,302,365, plus strand): 5'-GGCCTGTCTTCGAGCTCAAGGCCATCAGCTGCCTCAACTGCATGGCCCAGCTCTCACCCA[C>A]CAGGCGGCACGTGAAGATCGAGCACGACTGGCGCAGCACCGTGCATGGCGCCGTGAAGTT-3'
Protein context (NP_005996.2, residues 847-867): CLNCMAQLSP[Thr857Asn]RRHVKIEHDW

ClinVar aggregate classification (germline): Uncertain significance (1 of 4 stars; one submission).

Conditions:
Monogenic diabetes. Identifiers: Orphanet 183625, MedGen C3888631, MONDO:0015967.

Allele frequency attached by ClinVar (database versions not stated): gnomAD 0.00001.
gnomAD v4.1: 2 of 1,612,984 alleles (0.00012%); highest among the groups gnomAD compares: East Asian, 0.0022%; no homozygotes.

Submission:

Personalized Diabetes Medicine Program, University of Maryland School of Medicine
Classification: Uncertain significance for Monogenic diabetes. Last evaluated: 2017-08-18. Review status: criteria provided, single submitter. Criteria: ACMG Guidelines, 2015. Collection method: research. Allele origin: unknown. Observed: 1 variant allele, 1 heterozygote. Study: Personalized Diabetes Medicine Program.
Comment: ACMG Criteria:PP3 (3 predictors), BP4 (7 predictors), PM2